The following is an entry in ClinVar:

NM_206933.4(USH2A):c.2525del (p.Phe842fs)

Genes: USH2A (usherin; minus strand), LOC122152296 (Sharpr-MPRA regulatory region 8762; plus strand). Cytogenetic location: 1q41.
Variant type: Deletion.
Coding change: c.2525del on transcript NM_206933.4 (MANE Select); coding-DNA position 2525, one base deleted (T; older notation c.2525delT).
Protein change: p.Phe842fs; shifts the reading frame from phenylalanine 842.
Molecular consequence: frameshift variant.
Genome position (GRCh38, 1-based): chr1:216,246,869, A deleted on the plus strand (T on the coding strand, the reverse complement: USH2A is on the minus strand); the first of 3 consecutive A bases (chr1:216,246,869-216,246,871); deleting any one gives the same sequence. VCF-style (leftmost placement, unchanged base first): chr1-216246868-GA-G. GRCh37 (hg19) VCF-style: chr1-216420210-GA-G.
Other names: c.2525del, p.Phe842fs (NM_007123.6); short protein forms F842fs.
Identifiers: ClinVar variation 1726463 (VCV001726463.2), dbSNP rs1403136669, ClinGen allele CA2580062128.

ClinVar aggregate classification (germline): Likely pathogenic (1 of 4 stars; one submission).

Conditions:
Usher syndrome type 2A. Also called: RETINAL DISEASE IN USHER SYNDROME TYPE IIA, MODIFIER OF; USHER SYNDROME, TYPE IIA. Identifiers: Orphanet 231178, Orphanet 886, MedGen C1848634, MONDO:0010169, OMIM 276901.

Submission:

Myriad Genetics, Inc.
Classification: Likely pathogenic for Usher syndrome type 2A. Last evaluated: 2021-12-17. Review status: criteria provided, single submitter. Criteria: Myriad Women's Health Autosomal Recessive and X-Linked Classification Criteria (2021). Collection method: clinical testing. Allele origin: unknown.
Comment: NM_206933.2(USH2A):c.2525delT(F842Sfs*14) is expected to be pathogenic in the context of USH2A-related disorders. This variant is predicted to lead to an abnormal or absent protein product due to the creation of a premature termination codon in USH2A, a gene where loss-of-function variants are known to be pathogenic. Please note: this variant was assessed in the context of healthy population screening.